The following is an entry in ClinVar:

NM_017617.5(NOTCH1):c.3788G>A (p.Arg1263His)

Gene: NOTCH1 (notch receptor 1; minus strand). Cytogenetic location: 9q34.3.
Variant type: single nucleotide variant.
Coding change: c.3788G>A on transcript NM_017617.5 (MANE Select); coding-DNA position 3788, G replaced by A.
Protein change: p.Arg1263His; replaces arginine 1263 with histidine.
Molecular consequence: missense variant.
Genome position (GRCh38, 1-based): chr9:136,506,829, C>T on the plus strand (G>A on the coding strand, the complement: NOTCH1 is on the minus strand). VCF-style: chr9-136506829-C-T. GRCh37 (hg19) VCF-style: chr9-139401281-C-T.
Other names: c.3788G>A, p.Arg1263His (LRG_1122t1); short protein forms R1263H.
Identifiers: ClinVar variation 544191 (VCV000544191.20), dbSNP rs377594681, ClinGen allele CA5340800.

ClinVar aggregate classification (germline): Conflicting classifications of pathogenicity. Review status: criteria provided, conflicting classifications (1 of 4 stars). 6 submissions from 5 submitters: Uncertain significance (5); Benign (1). Last evaluated 2025-12-02.

Conditions:
Adams-Oliver syndrome 5 (AOS5). Identifiers: Orphanet 974, MedGen C4014970, MONDO:0014459, OMIM 616028.
Aortic valve disease 1 (AOVD1). Identifiers: MedGen C3887892, MONDO:0024523, OMIM 109730.
Familial thoracic aortic aneurysm and aortic dissection (TAAD). Also called: Thoracic aortic aneurysms and dissections. Identifiers: Orphanet 91387, MedGen C4707243, MONDO:0019625.

Allele frequency attached by ClinVar (database versions not stated): ExAC 0.00001; gnomAD 0.00005 and 0.00006; TOPMed 0.00006.
gnomAD v4.1: 108 of 1,612,090 alleles (0.0067%); highest among the groups gnomAD compares: Non-Finnish European, 0.0076%; no homozygotes.

Submissions (6):

Labcorp Genetics (formerly Invitae), Labcorp
Classification: Benign for Adams-Oliver syndrome 5. Last evaluated: 2025-12-02. Review status: criteria provided, single submitter. Criteria: Invitae Variant Classification Sherloc (09022015). Collection method: clinical testing. Allele origin: germline.

GeneDx
Classification: Uncertain significance. Last evaluated: 2025-06-12. Review status: criteria provided, single submitter. Criteria: GeneDx Variant Classification Process June 2021. Collection method: clinical testing. Allele origin: germline. Affected: yes.
Comment: Has not been previously published in association with NOTCH1-related disorders to our knowledge; In silico analysis supports that this missense variant has a deleterious effect on protein structure/function; This variant is associated with the following publications: (PMID: 27855558)

Ambry Genetics
Classification: Uncertain significance for Familial thoracic aortic aneurysm and aortic dissection. Last evaluated: 2024-04-02. Review status: criteria provided, single submitter. Criteria: Ambry Variant Classification Scheme 2023. Collection method: clinical testing. Allele origin: germline.
Comment: The p.R1263H variant (also known as c.3788G>A), located in coding exon 23 of the NOTCH1 gene, results from a G to A substitution at nucleotide position 3788. The arginine at codon 1263 is replaced by histidine, an amino acid with highly similar properties. This amino acid position is highly conserved in available vertebrate species. In addition, the in silico prediction for this alteration is inconclusive. Since supporting evidence is limited at this time, the clinical significance of this alteration remains unclear.

Genome-Nilou Lab
Classification: Uncertain significance for Adams-Oliver syndrome 5. Last evaluated: 2022-03-15. Review status: criteria provided, single submitter. Criteria: ACMG Guidelines, 2015. Collection method: clinical testing. Allele origin: germline. Affected: no.

Genome-Nilou Lab
Classification: Uncertain significance for Aortic valve disease 1. Last evaluated: 2022-03-15. Review status: criteria provided, single submitter. Criteria: ACMG Guidelines, 2015. Collection method: clinical testing. Allele origin: germline. Affected: no.

Fulgent Genetics
Classification: Uncertain significance for Aortic valve disease 1; Adams-Oliver syndrome 5. Last evaluated: 2021-10-29. Review status: criteria provided, single submitter. Criteria: ACMG Guidelines, 2015. Collection method: clinical testing. Allele origin: unknown.